The following is an entry in ClinVar:

NM_001127222.2(CACNA1A):c.5400+7C>T

Gene: CACNA1A (calcium voltage-gated channel subunit alpha1 A; minus strand). Cytogenetic location: 19p13.13.
Variant type: single nucleotide variant.
Coding change: c.5400+7C>T on transcript NM_001127222.2 (MANE Select); 7 bases into the intron after coding-DNA position 5400, C replaced by T.
Molecular consequence: intron variant.
Genome position (GRCh38, 1-based): chr19:13,231,703, G>A on the plus strand (C>T on the coding strand, the complement: CACNA1A is on the minus strand). VCF-style: chr19-13231703-G-A. GRCh37 (hg19) VCF-style: chr19-13342517-G-A.
Other names: c.5403+7C>T (NM_001127221.2); c.5409+7C>T (NM_001174080.2); c.5418+7C>T (NM_000068.4, NM_023035.3).
Identifiers: ClinVar variation 507791 (VCV000507791.10), dbSNP rs1046598864, ClinGen allele CA305513865.

ClinVar aggregate classification (germline): Likely benign. Review status: criteria provided, multiple submitters, no conflicts (2 of 4 stars). 2 submissions from 2 submitters: Likely benign (2). Last evaluated 2024-12-03.

Conditions:
Developmental and epileptic encephalopathy, 42 (DEE42A). Also called: Epileptic encephalopathy, early infantile, 42; DEVELOPMENTAL AND EPILEPTIC ENCEPHALOPATHY 42A; EPILEPTIC ENCEPHALOPATHY, EARLY INFANTILE, 42A. Identifiers: MedGen C4310716, MONDO:0014917, OMIM 617106.
Episodic ataxia type 2 (EA2). Also called: ATAXIA, EPISODIC, WITH NYSTAGMUS; ATAXIA, FAMILIAL PAROXYSMAL; CEREBELLAR ATAXIA, PAROXYSMAL, ACETAZOLAMIDE-RESPONSIVE; CEREBELLOPATHY, HEREDITARY PAROXYSMAL; EPISODIC ATAXIA, NYSTAGMUS-ASSOCIATED; ACETAZOLAMIDE-RESPONSIVE HEREDITARY PAROXYSMAL CEREBELLAR ATAXIA. Identifiers: Orphanet 97, MedGen C1720416, MONDO:0007163, OMIM 108500.

Allele frequency attached by ClinVar (database versions not stated): gnomAD 0.00001; TOPMed 0.00001.
gnomAD v4.1: 5 of 1,607,414 alleles (0.00031%); highest among the groups gnomAD compares: African/African-American, 0.0013%; no homozygotes.

Submissions (2):

Labcorp Genetics (formerly Invitae), Labcorp
Classification: Likely benign for Developmental and epileptic encephalopathy, 42; Episodic ataxia type 2. Last evaluated: 2024-12-03. Review status: criteria provided, single submitter. Criteria: Invitae Variant Classification Sherloc (09022015). Collection method: clinical testing. Allele origin: germline.

GeneDx
Classification: Likely benign. Last evaluated: 2017-03-06. Review status: criteria provided, single submitter. Criteria: GeneDx Variant Classification (06012015). Collection method: clinical testing. Allele origin: germline. Affected: yes.
Comment: This variant is considered likely benign or benign based on one or more of the following criteria: it is a conservative change, it occurs at a poorly conserved position in the protein, it is predicted to be benign by multiple in silico algorithms, and/or has population frequency not consistent with disease.